The following is an entry in ClinVar:

ClinVar aggregate classification (germline): Uncertain significance (1 of 4 stars; one submission).

Conditions:
Muscular dystrophy-dystroglycanopathy (congenital with brain and eye anomalies), type a, 11 (MDDGA11). Also called: Congenital muscular dystrophy-dystroglycanopathy with brain and eye anomalies, type A11; Muscular dystrophy-dystroglycanopathy (congenital with brain and eye anomalies, type A, 11; WALKER-WARBURG SYNDROME OR MUSCLE-EYE-BRAIN DISEASE, B3GALNT2-RELATED. Identifiers: Orphanet 588, Orphanet 899, MedGen C3554638, MONDO:0014071, OMIM 615181.

Submission:

Labcorp Genetics (formerly Invitae), Labcorp
Classification: Uncertain significance for Muscular dystrophy-dystroglycanopathy (congenital with brain and eye anomalies), type a, 11. Last evaluated: 2025-06-16. Review status: criteria provided, single submitter. Criteria: Invitae Variant Classification Sherloc (09022015). Collection method: clinical testing. Allele origin: germline.
Comment: This sequence change replaces isoleucine, which is neutral and non-polar, with serine, which is neutral and polar, at codon 157 of the B3GALNT2 protein (p.Ile157Ser). This variant is not present in population databases (gnomAD no frequency). This variant has not been reported in the literature in individuals affected with B3GALNT2-related conditions. ClinVar contains an entry for this variant (Variation ID: 3640810). Invitae Evidence Modeling of protein sequence and biophysical properties (such as structural, functional, and spatial information, amino acid conservation, physicochemical variation, residue mobility, and thermodynamic stability) indicates that this missense variant is not expected to disrupt B3GALNT2 protein function with a negative predictive value of 80%. In summary, the available evidence is currently insufficient to determine the role of this variant in disease. Therefore, it has been classified as a Variant of Uncertain Significance.

NM_152490.5(B3GALNT2):c.470T>G (p.Ile157Ser)

Gene: B3GALNT2 (beta-1,3-N-acetylgalactosaminyltransferase 2; minus strand). Cytogenetic location: 1q42.3.
Variant type: single nucleotide variant.
Coding change: c.470T>G on transcript NM_152490.5 (MANE Select); coding-DNA position 470, T replaced by G.
Protein change: p.Ile157Ser; replaces isoleucine 157 with serine.
Molecular consequence: missense variant.
Genome position (GRCh38, 1-based): chr1:235,484,407, A>C on the plus strand (T>G on the coding strand, the complement: B3GALNT2 is on the minus strand). VCF-style: chr1-235484407-A-C. GRCh37 (hg19) VCF-style: chr1-235647723-A-C.
Other names: c.593T>G, p.Ile198Ser (NM_001277155.3); short protein forms I157S, I198S.
Identifiers: ClinVar variation 3640810 (VCV003640810.2).